The following is an entry in ClinVar:

ClinVar aggregate classification (germline): Uncertain significance. Review status: criteria provided, multiple submitters, no conflicts (2 of 4 stars). 2 submissions from 2 submitters: Uncertain significance (2). Last evaluated 2025-12-17.

Allele frequency attached by ClinVar (database versions not stated): gnomAD exomes 0.00001; gnomAD 0.00001.
gnomAD v4.1: 7 of 1,213,736 alleles (0.00058%); highest among the groups gnomAD compares: African/African-American, 0.0016%; no homozygotes.

Submissions (2):

Labcorp Genetics (formerly Invitae), Labcorp
Classification: Uncertain significance. Last evaluated: 2025-12-17. Review status: criteria provided, single submitter. Criteria: Invitae Variant Classification Sherloc (09022015). Collection method: clinical testing. Allele origin: germline.
Comment: This sequence change replaces histidine, which is basic and polar, with glutamine, which is neutral and polar, at codon 84 of the CTF1 protein (p.His84Gln). This variant is present in population databases (no rsID available, gnomAD 0.01%). This variant has not been reported in the literature in individuals affected with CTF1-related conditions. ClinVar contains an entry for this variant (Variation ID: 1986116). An algorithm developed to predict the effect of missense changes on protein structure and function (PolyPhen-2) suggests that this variant is likely to be tolerated. In summary, the available evidence is currently insufficient to determine the role of this variant in disease. Therefore, it has been classified as a Variant of Uncertain Significance.

Ambry Genetics
Classification: Uncertain significance. Last evaluated: 2024-12-10. Review status: criteria provided, single submitter. Criteria: Ambry Variant Classification Scheme 2023. Collection method: clinical testing. Allele origin: germline.

NM_001330.5(CTF1):c.252C>G (p.His84Gln)

Genes: CTF1 (cardiotrophin 1; plus strand), LOC130058878 (ATAC-STARR-seq lymphoblastoid silent region 7400; plus strand). Cytogenetic location: 16p11.2.
Variant type: single nucleotide variant.
Coding change: c.252C>G on transcript NM_001330.5 (MANE Select); coding-DNA position 252, C replaced by G.
Protein change: p.His84Gln; replaces histidine 84 with glutamine.
Molecular consequence: missense variant. On other transcripts: non-coding transcript variant (1).
Genome position (GRCh38, 1-based): chr16:30,902,185, C>G. VCF-style: chr16-30902185-C-G. GRCh37 (hg19) VCF-style: chr16-30913506-C-G.
Other names: c.249C>G, p.His83Gln (NM_001142544.3); short protein forms H84Q, H83Q.
Identifiers: ClinVar variation 1986116 (VCV001986116.5), dbSNP rs1452820151, ClinGen allele CA395618599.
Genomic context (GRCh38, chr16:30,902,185, plus strand): 5'-GCGGCTGCCGGTGGCCGGCCTGAGCGCCCCGGCTCCGAGCCACGCGGGGCTGCCAGTGCA[C>G]GAGCGGCTGCGGCTGGACGCGGCGGCGCTGGCCGCGCTGCCCCCGCTGCTGGACGCAGTG-3'
Protein context (NP_001321.1, residues 74-94): PAPSHAGLPV[His84Gln]ERLRLDAAAL